The following is an entry in ClinVar:

ClinVar aggregate classification (germline): Conflicting classifications of pathogenicity. Review status: criteria provided, conflicting classifications (1 of 4 stars). 2 submissions from 2 submitters: Uncertain significance (1); Likely benign (1). Last evaluated 2023-10-13.

Conditions:
Familial hemiplegic migraine. Identifiers: MedGen C0338484, MONDO:0000700.

Allele frequency attached by ClinVar (database versions not stated): TOPMed 0.00004; ESP Exome Variant Server 0.00008; 1000 Genomes Project 0.00020; 1000 Genomes Project 30x 0.00031.
gnomAD v4.1: 31 of 1,610,206 alleles (0.0019%); highest among the groups gnomAD compares: East Asian, 0.025%; no homozygotes.

Submissions (2):

Labcorp Genetics (formerly Invitae), Labcorp
Classification: Uncertain significance for Familial hemiplegic migraine. Last evaluated: 2023-10-13. Review status: criteria provided, single submitter. Criteria: Invitae Variant Classification Sherloc (09022015). Collection method: clinical testing. Allele origin: germline.
Comment: This sequence change affects codon 417 of the ATP1A2 mRNA. It is a 'silent' change, meaning that it does not change the encoded amino acid sequence of the ATP1A2 protein. This variant is present in population databases (rs142309356, gnomAD 0.02%). This variant has not been reported in the literature in individuals affected with ATP1A2-related conditions. ClinVar contains an entry for this variant (Variation ID: 386256). Algorithms developed to predict the effect of sequence changes on RNA splicing suggest that this variant may create or strengthen a splice site. In summary, the available evidence is currently insufficient to determine the role of this variant in disease. Therefore, it has been classified as a Variant of Uncertain Significance.

GeneDx
Classification: Likely benign. Last evaluated: 2020-01-09. Review status: criteria provided, single submitter. Criteria: GeneDx Variant Classification Process June 2021. Collection method: clinical testing. Allele origin: germline. Affected: yes.

NM_000702.4(ATP1A2):c.1251G>A (p.Thr417=)

Gene: ATP1A2 (ATPase Na+/K+ transporting subunit alpha 2; plus strand). Cytogenetic location: 1q23.2.
Variant type: single nucleotide variant.
Coding change: c.1251G>A on transcript NM_000702.4 (MANE Select); coding-DNA position 1251, G replaced by A.
Protein change: p.Thr417=; no amino-acid change (threonine 417 retained).
Molecular consequence: synonymous variant.
Genome position (GRCh38, 1-based): chr1:160,129,014, G>A. VCF-style: chr1-160129014-G-A. GRCh37 (hg19) VCF-style: chr1-160098804-G-A.
Identifiers: ClinVar variation 386256 (VCV000386256.9), dbSNP rs142309356, ClinGen allele CA1194427.